The following is an entry in ClinVar:

ClinVar aggregate classification (germline): Pathogenic (1 of 4 stars; one submission).

Submission:

Labcorp Genetics (formerly Invitae), Labcorp
Classification: Pathogenic. Last evaluated: 2021-08-27. Review status: criteria provided, single submitter. Criteria: Invitae Variant Classification Sherloc (09022015). Collection method: clinical testing. Allele origin: germline.
Comment: For these reasons, this variant has been classified as Pathogenic. This variant has not been reported in the literature in individuals affected with OCA2-related conditions. This variant is not present in population databases (ExAC no frequency). This sequence change creates a premature translational stop signal (p.Ala306Profs*12) in the OCA2 gene. It is expected to result in an absent or disrupted protein product. Loss-of-function variants in OCA2 are known to be pathogenic (PMID: 19865097, 21541274).

Literature cited by the submitters: PubMed 19865097; PubMed 21541274.

NM_000275.3(OCA2):c.916del (p.Ala306fs)

Gene: OCA2 (OCA2 melanosomal transmembrane protein; minus strand). Cytogenetic location: 15q13.1.
Variant type: Deletion.
Coding change: c.916del on transcript NM_000275.3 (MANE Select); coding-DNA position 916, one base deleted (G; older notation c.916delG).
Protein change: p.Ala306fs; shifts the reading frame from alanine 306.
Molecular consequence: frameshift variant.
Genome position (GRCh38, 1-based): chr15:28,014,904, C deleted on the plus strand (G on the coding strand, the reverse complement: OCA2 is on the minus strand); the first of 3 consecutive C bases (chr15:28,014,904-28,014,906); deleting any one gives the same sequence. VCF-style (leftmost placement, unchanged base first): chr15-28014903-GC-G. GRCh37 (hg19) VCF-style: chr15-28260049-GC-G.
Other names: c.916del, p.Ala306fs (NM_001300984.2); short protein forms A306fs.
Identifiers: ClinVar variation 1452544 (VCV001452544.6), dbSNP rs2141229433, ClinGen allele CA2573150570.